The following is an entry in ClinVar:

NM_198578.4(LRRK2):c.6448G>A (p.Val2150Ile)

Gene: LRRK2 (leucine rich repeat kinase 2; plus strand). Cytogenetic location: 12q12.
Variant type: single nucleotide variant.
Coding change: c.6448G>A on transcript NM_198578.4 (MANE Select); coding-DNA position 6448, G replaced by A.
Protein change: p.Val2150Ile; replaces valine 2150 with isoleucine.
Molecular consequence: missense variant.
Genome position (GRCh38, 1-based): chr12:40,351,605, G>A. VCF-style: chr12-40351605-G-A. GRCh37 (hg19) VCF-style: chr12-40745407-G-A.
Other names: short protein forms V2150I.
Identifiers: ClinVar variation 3340855 (VCV003340855.1).

ClinVar aggregate classification (germline): Uncertain significance (1 of 4 stars; one submission).

gnomAD v4.1: 12 of 1,614,138 alleles (0.00074%); highest among the groups gnomAD compares: East Asian, 0.0067%; no homozygotes.

Submission:

GeneDx
Classification: Uncertain significance. Last evaluated: 2023-11-22. Review status: criteria provided, single submitter. Criteria: GeneDx Variant Classification Process June 2021. Collection method: clinical testing. Allele origin: germline. Affected: yes.
Comment: Observed in patient with benign essential blepharospasm in published literature; however no further clinical information was provided (PMID: 32038460); In silico analysis supports that this missense variant does not alter protein structure/function; This variant is associated with the following publications: (PMID: 32038460)